The following is an entry in ClinVar:

ClinVar aggregate classification (germline): Conflicting classifications of pathogenicity. Review status: criteria provided, conflicting classifications (1 of 4 stars). 4 submissions from 4 submitters: Pathogenic (2); Likely pathogenic (1); Uncertain significance (1). Last evaluated 2026-08-14.

Conditions:
Mucopolysaccharidosis, MPS-III-C (MPS3C). Also called: MPS III C; MUCOPOLYSACCHARIDOSIS, TYPE IIIC; Mucopolysaccharidosis type IIIC (Sanfilippo C); mucopolysaccharidosis type 3C; MPS IIIC (Sanfilippo Syndrome Type C); SANFILIPPO SYNDROME C. Identifiers: Orphanet 581, Orphanet 79271, MedGen C0086649, MONDO:0009657, OMIM 252930.
Retinitis pigmentosa 73 (RP73). Identifiers: Orphanet 791, MedGen C4225287, MONDO:0014687, OMIM 616544.
Inborn genetic diseases. Identifiers: MedGen C0950123, MeSH D030342.

Submissions (4):

Ambry Genetics
Classification: Pathogenic for Inborn genetic diseases. Last evaluated: 2026-08-14. Review status: criteria provided, single submitter. Criteria: Ambry Variant Classification Scheme 2023. Collection method: clinical testing. Allele origin: germline.
Comment: The c.1700G>A (p.W567*) variant, located in exon 17 (coding exon 17) of the HGSNAT gene, consists of a G to A substitution at nucleotide position 1700. This changes the amino acid from a tryptophan (W) to a stop codon at amino acid position 567. This variant is not expected to trigger nonsense-mediated mRNA decay and impacts the last 10.7% of the protein. Premature stop codons are typically deleterious in nature, the impacted region is critical for protein function and a significant portion of the protein is affected (Richards, 2015; Ambry internal data). This variant was not reported in population-based cohorts in the Genome Aggregation Database (gnomAD). Based on the available evidence, this alteration is classified as pathogenic.

Natera, Inc.
Classification: Likely pathogenic for Mucopolysaccharidosis type IIIC. Last evaluated: 2025-08-27. Review status: criteria provided, single submitter. Criteria: Natera Variant Classification Schema (03/2026). Collection method: clinical testing. Allele origin: germline.
Comment: The c.1700G>A variant in HGSNAT is a nonsense variant predicted to introduce a stop codon at amino acid 567. This variant is expected to result in nonsense mediated decay, truncation, or a dysfunctional protein product. This variant is rare in the general population with a frequency below the threshold expected for the associated phenotype(s). Given the available evidence, this variant is classified as Likely Pathogenic.

Labcorp Genetics (formerly Invitae), Labcorp
Classification: Pathogenic for Retinitis pigmentosa 73; Mucopolysaccharidosis, MPS-III-C. Last evaluated: 2022-08-02. Review status: criteria provided, single submitter. Criteria: Invitae Variant Classification Sherloc (09022015). Collection method: clinical testing. Allele origin: germline.
Comment: This sequence change creates a premature translational stop signal (p.Trp567*) in the HGSNAT gene. While this is not anticipated to result in nonsense mediated decay, it is expected to disrupt the last 69 amino acid(s) of the HGSNAT protein. This variant is not present in population databases (gnomAD no frequency). This premature translational stop signal has been observed in individual(s) with clinical features of mucopolysaccharidosis type IIIC (Invitae). In at least one individual the data is consistent with being in trans (on the opposite chromosome) from a pathogenic variant. ClinVar contains an entry for this variant (Variation ID: 844284). Experimental studies and prediction algorithms are not available or were not evaluated, and the functional significance of this variant is currently unknown. This variant disrupts a region of the HGSNAT protein in which other variant(s) (p.Pro571Leu) have been observed in individuals with HGSNAT-related conditions (PMID: 17033958). This suggests that this is a clinically significant region of the protein, and that variants that disrupt it are likely to be disease-causing. For these reasons, this variant has been classified as Pathogenic.

Blueprint Genetics
Classification: Uncertain significance. Last evaluated: 2020-08-18. Review status: criteria provided, single submitter. Criteria: ACMG Guidelines, 2015. Collection method: clinical testing. Allele origin: germline.

Literature cited by the submitters: PubMed 17033958 (cited by Labcorp Genetics (formerly Invitae), Labcorp).

NM_152419.3(HGSNAT):c.1700G>A (p.Trp567Ter)

Gene: HGSNAT (heparan-alpha-glucosaminide N-acetyltransferase; plus strand). Cytogenetic location: 8p11.21.
Variant type: single nucleotide variant.
Coding change: c.1700G>A on transcript NM_152419.3 (MANE Select); coding-DNA position 1700, G replaced by A.
Protein change: p.Trp567Ter; replaces tryptophan 567 with a stop codon.
Molecular consequence: nonsense.
Genome position (GRCh38, 1-based): chr8:43,197,926, G>A. VCF-style: chr8-43197926-G-A. GRCh37 (hg19) VCF-style: chr8-43053069-G-A.
Other names: p.Trp567*; c.1787G>A, p.Trp596Ter (NM_001363227.2); c.1508G>A, p.Trp503Ter (NM_001363228.2); c.836G>A, p.Trp279Ter (NM_001363229.2); short protein forms W279*, W503*, W567*, W596*.
Identifiers: ClinVar variation 844284 (VCV000844284.9), dbSNP rs1804781641, ClinGen allele CA371120778.